The following is an entry in ClinVar:

ClinVar aggregate classification (germline): Uncertain significance. Review status: criteria provided, multiple submitters, no conflicts (2 of 4 stars). 2 submissions from 2 submitters: Uncertain significance (2). Last evaluated 2025-08-03.

Conditions:
Familial thoracic aortic aneurysm and aortic dissection (TAAD). Also called: Thoracic aortic aneurysms and dissections. Identifiers: Orphanet 91387, MedGen C4707243, MONDO:0019625.

Allele frequency attached by ClinVar (database versions not stated): 1000 Genomes Project 0.00040; 1000 Genomes Project 30x 0.00031.
gnomAD v4.1: 15 of 1,595,282 alleles (0.00094%); highest among the groups gnomAD compares: East Asian, 0.011%; no homozygotes.

Submissions (3):

Ambry Genetics
Classification: Uncertain significance for Familial thoracic aortic aneurysm and aortic dissection. Last evaluated: 2025-08-03. Review status: criteria provided, single submitter. Criteria: Ambry Variant Classification Scheme 2023. Collection method: clinical testing. Allele origin: germline.

GeneDx
Classification: Uncertain significance. Last evaluated: 2024-10-11. Review status: criteria provided, single submitter. Criteria: GeneDx Variant Classification Process June 2021. Collection method: clinical testing. Allele origin: germline. Affected: yes.
Comment: In silico analysis supports that this missense variant has a deleterious effect on protein structure/function; In silico analysis suggests this variant may impact gene splicing. In the absence of RNA/functional studies, the actual effect of this sequence change is unknown.; Has not been previously published as pathogenic or benign to our knowledge; Reported using an alternate transcript of the gene

Dr. Peter K. Rogan Lab, Western University
No classification provided (evidence only). Condition: Malignant tumor of esophagus. Review status: no classification provided. Collection method: in vitro. Allele origin: not applicable. Functional consequence: retained intron. Not counted in ClinVar's aggregate classification.

NM_001098512.3(PRKG1):c.209C>G (p.Thr70Arg)

Gene: PRKG1 (protein kinase cGMP-dependent 1; plus strand). Cytogenetic location: 10q11.23.
Variant type: single nucleotide variant.
Coding change: c.209C>G on transcript NM_001098512.3; coding-DNA position 209, C replaced by G.
Protein change: p.Thr70Arg; replaces threonine 70 with arginine.
Molecular consequence: missense variant.
Genome position (GRCh38, 1-based): chr10:50,991,587, C>G. VCF-style: chr10-50991587-C-G. GRCh37 (hg19) VCF-style: chr10-52751347-C-G.
Other names: NC_000010.10:g.52751347C>G; short protein forms T70R.
Identifiers: ClinVar variation 2602757 (VCV002602757.4), dbSNP rs568266579, ClinGen allele CA5503016.